The following is an entry in ClinVar:

ClinVar aggregate classification (germline): Uncertain significance. Review status: criteria provided, multiple submitters, no conflicts (2 of 4 stars). 2 submissions from 2 submitters: Uncertain significance (2). Last evaluated 2025-12-11.

gnomAD v4.1: 4 of 1,210,232 alleles (0.00033%); highest among the groups gnomAD compares: Admixed American, 0.0022%; no homozygotes.

Submissions (2):

Ambry Genetics
Classification: Uncertain significance. Last evaluated: 2025-12-11. Review status: criteria provided, single submitter. Criteria: Ambry Variant Classification Scheme 2023. Collection method: clinical testing. Allele origin: germline.

Labcorp Genetics (formerly Invitae), Labcorp
Classification: Uncertain significance. Last evaluated: 2024-12-11. Review status: criteria provided, single submitter. Criteria: Invitae Variant Classification Sherloc (09022015). Collection method: clinical testing. Allele origin: germline.
Comment: This sequence change replaces valine, which is neutral and non-polar, with isoleucine, which is neutral and non-polar, at codon 5 of the DRP2 protein (p.Val5Ile). This variant is present in population databases (rs758131270, gnomAD 0.005%). This variant has not been reported in the literature in individuals affected with DRP2-related conditions. An algorithm developed to predict the effect of missense changes on protein structure and function (PolyPhen-2) suggests that this variant is likely to be disruptive. In summary, the available evidence is currently insufficient to determine the role of this variant in disease. Therefore, it has been classified as a Variant of Uncertain Significance.

NM_001939.3(DRP2):c.13G>A (p.Val5Ile)

Gene: DRP2 (dystrophin related protein 2; plus strand). Cytogenetic location: Xq22.1.
Variant type: single nucleotide variant.
Coding change: c.13G>A on transcript NM_001939.3 (MANE Select); coding-DNA position 13, G replaced by A.
Protein change: p.Val5Ile; replaces valine 5 with isoleucine.
Molecular consequence: missense variant. On other transcripts: intron variant (1).
Genome position (GRCh38, 1-based): chrX:101,231,660, G>A. VCF-style: chrX-101231660-G-A. GRCh37 (hg19) VCF-style: chrX-100486649-G-A.
Other names: c.-117-4200G>A (NM_001171184.2); c.13G>A (NM_001939.2); short protein forms V5I.
Identifiers: ClinVar variation 3665144 (VCV003665144.3).
Genomic context (GRCh38, chrX:101,231,660, plus strand): 5'-TAGTTGGTGCACTGCCTATCCTCATCCCCCCCATGAGCCTTGGTTTTTATGCAACCTATG[G>A]TCATGCAGGGATGCCCTTACACCCTCCCACGATGTCATGACTGGCAGGCAGCTGACCAGT-3'
Protein context (NP_001930.2, residues 1-15): MQPM[Val5Ile]MQGCPYTLPR